The following is an entry in ClinVar:

ClinVar aggregate classification (germline): Pathogenic. Review status: criteria provided, multiple submitters, no conflicts (2 of 4 stars). 4 submissions from 4 submitters: Pathogenic (4). Last evaluated 2023-08-30.

Conditions:
Hereditary cancer-predisposing syndrome. Also called: Neoplastic Syndromes, Hereditary; Tumor predisposition; Hereditary Cancer Syndrome; Hereditary neoplastic syndrome. Identifiers: Orphanet 140162, MedGen C0027672, MeSH D009386, MONDO:0015356.
Familial adenomatous polyposis 1 (FAP1). Also called: FAMILIAL ADENOMATOUS POLYPOSIS 1, ATTENUATED; POLYPOSIS, ADENOMATOUS INTESTINAL. Identifiers: MedGen C2713442, MONDO:0021056, OMIM 175100. Disease mechanism: loss of function.

Submissions (4):

Labcorp Genetics (formerly Invitae), Labcorp
Classification: Pathogenic for Familial adenomatous polyposis 1. Last evaluated: 2023-08-30. Review status: criteria provided, single submitter. Criteria: Invitae Variant Classification Sherloc (09022015). Collection method: clinical testing. Allele origin: germline.
Comment: This variant is expected to disrupt the EB1 and HDLG binding sites, which mediate interactions with the cytoskeleton (PMID: 15311282, 17293347). While functional studies have not been performed to directly test the effect on APC protein function, this suggests that disruption of the C-terminal portion of the protein is functionally important. ClinVar contains an entry for this variant (Variation ID: 230610). This premature translational stop signal has been observed in individual(s) with familial adenomatous polyposis (PMID: 12010888, 20223039, 20685668). This variant is not present in population databases (gnomAD no frequency). This sequence change creates a premature translational stop signal (p.Trp1049*) in the APC gene. While this is not anticipated to result in nonsense mediated decay, it is expected to disrupt the last 1795 amino acid(s) of the APC protein. A different truncation (p.Tyr2645Lysfs*14) that lies downstream of this variant has been determined to be pathogenic (PMID: 9824584, 1316610, 27081525, 8381579, 22135120, Invitae). This suggests that deletion of this region of the APC protein is causative of disease. For these reasons, this variant has been classified as Pathogenic.

Ambry Genetics
Classification: Pathogenic for Hereditary cancer-predisposing syndrome. Last evaluated: 2023-06-12. Review status: criteria provided, single submitter. Criteria: Ambry Variant Classification Scheme 2023. Collection method: clinical testing. Allele origin: germline.
Comment: The p.W1049* pathogenic mutation (also known as c.3146G>A), located in coding exon 15 of the APC gene, results from a G to A substitution at nucleotide position 3146. This changes the amino acid from a tryptophan to a stop codon within coding exon 15. This variant is considered to be rare based on population cohorts in the Genome Aggregation Database (gnomAD). This variant was previously described in individuals with familial adenomatous polyposis (Friedl W, et al. Hered Cancer Clin Pract 2005 ; 3(3):95-114; Moisio AL, et al. Gut 2002 Jun; 50(6):845-50). In addition to the clinical data presented in the literature, this alteration is expected to result in loss of function by premature protein truncation or nonsense-mediated mRNA decay. As such, this alteration is interpreted as a disease-causing mutation.

Myriad Genetics, Inc.
Classification: Pathogenic for Familial adenomatous polyposis 1. Last evaluated: 2023-05-05. Review status: criteria provided, single submitter. Criteria: Myriad Autosomal Dominant, Autosomal Recessive and X-Linked Classification Criteria (2023). Collection method: clinical testing. Allele origin: unknown.
Comment: This variant is considered pathogenic. This variant creates a termination codon and is predicted to result in premature protein truncation.

ARUP Laboratories, Molecular Genetics and Genomics, ARUP Laboratories
Classification: Pathogenic. Last evaluated: 2017-03-24. Review status: criteria provided, single submitter. Criteria: ARUP Molecular Germline Variant Investigation Process. Collection method: clinical testing. Allele origin: germline.

Literature cited by the submitters: PubMed 15311282 (cited by Labcorp Genetics (formerly Invitae), Labcorp); PubMed 17293347 (cited by Labcorp Genetics (formerly Invitae), Labcorp); PubMed 12010888 (cited by Labcorp Genetics (formerly Invitae), Labcorp and Ambry Genetics); PubMed 20223039 (cited by Labcorp Genetics (formerly Invitae), Labcorp and Ambry Genetics); PubMed 20685668 (cited by Labcorp Genetics (formerly Invitae), Labcorp); PubMed 9824584 (cited by Labcorp Genetics (formerly Invitae), Labcorp); PubMed 1316610 (cited by Labcorp Genetics (formerly Invitae), Labcorp); PubMed 27081525 (cited by Labcorp Genetics (formerly Invitae), Labcorp); PubMed 8381579 (cited by Labcorp Genetics (formerly Invitae), Labcorp); PubMed 22135120 (cited by Labcorp Genetics (formerly Invitae), Labcorp).

NM_000038.6(APC):c.3146G>A (p.Trp1049Ter)

Gene: APC (APC regulator of Wnt signaling pathway; plus strand). Cytogenetic location: 5q22.2.
Variant type: single nucleotide variant.
Coding change: c.3146G>A on transcript NM_000038.6 (MANE Select); coding-DNA position 3146, G replaced by A.
Protein change: p.Trp1049Ter; replaces tryptophan 1049 with a stop codon.
Molecular consequence: nonsense.
Genome position (GRCh38, 1-based): chr5:112,838,740, G>A. VCF-style: chr5-112838740-G-A. GRCh37 (hg19) VCF-style: chr5-112174437-G-A.
Other names: c.3146G>A, p.Trp1049Ter (NM_001127510.3, NM_001354895.2); c.3092G>A, p.Trp1031Ter (NM_001127511.3); c.3200G>A, p.Trp1067Ter (NM_001354896.2); c.3176G>A, p.Trp1059Ter (NM_001354897.2); c.3071G>A, p.Trp1024Ter (NM_001354898.2); c.3062G>A, p.Trp1021Ter (NM_001354899.2); c.3023G>A, p.Trp1008Ter (NM_001354900.2); c.2969G>A, p.Trp990Ter (NM_001354901.2); and 5 more; short protein forms W1031*, W1049*, W766*, W923*, W958*, W990*, W1024*, W1059*.
Identifiers: ClinVar variation 230610 (VCV000230610.22), dbSNP rs876658667, ClinGen allele CA10578351.
Genomic context (GRCh38, chr5:112,838,740, plus strand): 5'-TTAAATATTCAGATGAGCAGTTGAACTCTGGAAGGCAAAGTCCTTCACAGAATGAAAGAT[G>A]GGCAAGACCCAAACACATAATAGAAGATGAAATAAAACAAAGTGAGCAAAGACAATCAAG-3'